The following is an entry in ClinVar:

NM_194248.3(OTOF):c.1243C>T (p.Gln415Ter)

Gene: OTOF (otoferlin; minus strand). Cytogenetic location: 2p23.3.
Variant type: single nucleotide variant.
Coding change: c.1243C>T on transcript NM_194248.3 (MANE Select); coding-DNA position 1243, C replaced by T.
Protein change: p.Gln415Ter; replaces glutamine 415 with a stop codon.
Molecular consequence: nonsense.
Genome position (GRCh38, 1-based): chr2:26,483,611, G>A on the plus strand (C>T on the coding strand, the complement: OTOF is on the minus strand). VCF-style: chr2-26483611-G-A. GRCh37 (hg19) VCF-style: chr2-26706479-G-A.
Other names: c.1243C>T, p.Gln415Ter (NM_001287489.2); short protein forms Q415*.
Identifiers: ClinVar variation 3652013 (VCV003652013.2).

ClinVar aggregate classification (germline): Pathogenic (1 of 4 stars; one submission).

Submission:

Labcorp Genetics (formerly Invitae), Labcorp
Classification: Pathogenic. Last evaluated: 2024-05-02. Review status: criteria provided, single submitter. Criteria: Invitae Variant Classification Sherloc (09022015). Collection method: clinical testing. Allele origin: germline.
Comment: This sequence change creates a premature translational stop signal (p.Gln415*) in the OTOF gene. It is expected to result in an absent or disrupted protein product. Loss-of-function variants in OTOF are known to be pathogenic (PMID: 18381613, 19250381, 22575033). This variant is not present in population databases (gnomAD no frequency). This variant has not been reported in the literature in individuals affected with OTOF-related conditions. For these reasons, this variant has been classified as Pathogenic.

Literature cited by the submitters: PubMed 18381613; PubMed 19250381; PubMed 22575033.